The following is an entry in ClinVar:

NM_000297.4(PKD2):c.952dup (p.Val318fs)

Gene: PKD2 (polycystin 2, transient receptor potential cation channel; plus strand). Cytogenetic location: 4q22.1.
Variant type: Duplication.
Coding change: c.952dup on transcript NM_000297.4 (MANE Select); coding-DNA position 952, one base duplicated (G; older notation c.952dupG).
Protein change: p.Val318fs; shifts the reading frame from valine 318.
Molecular consequence: frameshift variant. On other transcripts: non-coding transcript variant (1).
Genome position (GRCh38, 1-based): chr4:88,038,359, G duplicated; the last of 4 consecutive G bases (chr4:88,038,356-88,038,359); duplicating any one gives the same sequence. VCF-style (leftmost placement, unchanged base first): chr4-88038355-A-AG. GRCh37 (hg19) VCF-style: chr4-88959507-A-AG.
Other names: c.952dup (NM_000297.3); c.952dupG (NM_000297.4); short protein forms V318fs.
Identifiers: ClinVar variation 1179073 (VCV001179073.9), dbSNP rs2110107069, ClinGen allele CA440296853.
Genomic context (GRCh38, chr4:88,038,355, plus strand): 5'-GCCCAGCAACCAGACTGAAGCTGACAACCGAAGTTTCATCTTCTATGAGAACCTGCTGTT[A>AG]GGGGTTCCACGAATACGGCAACTCCGAGTCAGAAATGGATCCTGCTCTATCCCCCAGGAC-3'

ClinVar aggregate classification (germline): Pathogenic/Likely pathogenic. Review status: criteria provided, multiple submitters, no conflicts (2 of 4 stars). 5 submissions from 5 submitters: Pathogenic (4); Likely pathogenic (1). Last evaluated 2026-09-22.

Conditions:
PKD2-related disorder. Also called: PKD2-related condition.
Polycystic kidney disease 2 (PKD2). Also called: Polycystic Kidney Disease 2, Autosomal Dominant; POLYCYSTIC KIDNEY DISEASE, ADULT, TYPE II; POLYCYSTIC KIDNEY DISEASE 2 WITH OR WITHOUT POLYCYSTIC LIVER DISEASE. Identifiers: MedGen C2751306, MONDO:0013131, OMIM 613095.

Submissions (5):

GeneDx
Classification: Pathogenic. Last evaluated: 2026-09-22. Review status: criteria provided, single submitter. Criteria: GeneDx Variant Classification Process June 2021. Collection method: clinical testing. Allele origin: germline.
Comment: Reported in a cohort of patients with chronic kidney disease in published literature (PMID: 35325889); Frameshift variant predicted to result in protein truncation or nonsense mediated decay in a gene for which loss of function is a known mechanism of disease; Not observed at significant frequency in large population cohorts (gnomAD); This variant is associated with the following publications: (PMID: 35325889)

Women's Health and Genetics/Laboratory Corporation of America, LabCorp
Classification: Pathogenic for Polycystic kidney disease 2. Last evaluated: 2025-10-13. Review status: criteria provided, single submitter. Criteria: LabCorp Variant Classification Summary - May 2015. Collection method: clinical testing. Allele origin: germline.
Comment: Variant summary: PKD2 c.952dupG (p.Val318GlyfsX23) results in a premature termination codon, predicted to cause a truncation of the encoded protein or absence of the protein due to nonsense mediated decay, which are commonly known mechanisms for disease. The variant was absent in 251132 control chromosomes (gnomAD). c.952dupG has been observed in a cohort of individuals affected with chronic kidney disease (Bleyer_2022). To our knowledge, no experimental evidence demonstrating an impact on protein function has been reported. The following publication have been ascertained in the context of this evaluation (PMID: 35325889). ClinVar contains an entry for this variant (Variation ID: 1179073). Based on the evidence outlined above, the variant was classified as pathogenic.

Genetic Services Laboratory, University of Chicago
Classification: Pathogenic. Last evaluated: 2023-08-07. Review status: criteria provided, single submitter. Criteria: ACMG Guidelines, 2015. Collection method: clinical testing. Allele origin: germline. Affected: yes.
Comment: DNA sequence analysis of the PKD2 gene demonstrated a one base pair duplication in exon 4, c.952dup. This duplication results in an amino acid frameshift and creates a premature stop codon 22 amino acids downstream of the change, p.Val318Glyfs*23. This sequence change is predicted to result in an abnormal transcript, which may be degraded, or may lead to the production of a truncated PKD2 protein with potentially abnormal function. The c.952dup sequence change has not been described in population databases such as ExAC and gnomAD. While this sequence change has not previously been described in the literature, other deletions and duplications that disrupt this region of the PKD2 gene have been described as pathogenic. Based on these collective evidences, this sequence change is classified as however functional studies have not been performed to prove this conclusively.

Blueprint Genetics
Classification: Likely pathogenic for PKD2-related disorders. Last evaluated: 2022-12-13. Review status: criteria provided, single submitter. Criteria: ACMG Guidelines, 2015. Collection method: clinical testing. Allele origin: germline. Affected: yes. Observed: 1 variant allele.

Fulgent Genetics
Classification: Pathogenic for Polycystic kidney disease 2. Last evaluated: 2021-12-08. Review status: criteria provided, single submitter. Criteria: ACMG Guidelines, 2015. Collection method: clinical testing. Allele origin: unknown.

Literature cited by the submitters: PubMed 35325889 (cited by Women's Health and Genetics/Laboratory Corporation of America, LabCorp).